The following is an entry in ClinVar:

ClinVar aggregate classification (germline): Uncertain significance (1 of 4 stars; one submission).

Allele frequency attached by ClinVar (database versions not stated): gnomAD exomes 0.00001; ExAC below 0.00001; gnomAD 0.00005; TOPMed 0.00002.
gnomAD v4.1: 58 of 1,546,252 alleles (0.0038%); highest among the groups gnomAD compares: Non-Finnish European, 0.005%; no homozygotes.

Submission:

GeneDx
Classification: Uncertain significance. Last evaluated: 2020-10-15. Review status: criteria provided, single submitter. Criteria: GeneDx Variant Classification Process June 2021. Collection method: clinical testing. Allele origin: germline. Affected: yes.
Comment: Not observed at a significant frequency in large population cohorts (Lek et al., 2016); In silico analysis supports that this missense variant does not alter protein structure/function; Has not been previously published as pathogenic or benign to our knowledge

NM_001698.3(AUH):c.148T>A (p.Trp50Arg)

Genes: AUH (AU RNA binding methylglutaconyl-CoA hydratase; minus strand), LOC130002059 (ATAC-STARR-seq lymphoblastoid silent region 20025; plus strand). Cytogenetic location: 9q22.31.
Variant type: single nucleotide variant.
Coding change: c.148T>A on transcript NM_001698.3 (MANE Select); coding-DNA position 148, T replaced by A.
Protein change: p.Trp50Arg; replaces tryptophan 50 with arginine.
Molecular consequence: missense variant. On other transcripts: 5 prime UTR variant (3).
Genome position (GRCh38, 1-based): chr9:91,361,742, A>T on the plus strand (T>A on the coding strand, the complement: AUH is on the minus strand). VCF-style: chr9-91361742-A-T. GRCh37 (hg19) VCF-style: chr9-94124024-A-T.
Other names: p.W50R:TGG>AGG; c.148T>A, p.Trp50Arg (NM_001306190.2); c.-250T>A (NM_001351431.2, NM_001351433.2); c.-342T>A (NM_001351432.2); short protein forms W50R.
Identifiers: ClinVar variation 214154 (VCV000214154.4), dbSNP rs762569154, ClinGen allele CA321164.